The following is an entry in ClinVar:

ClinVar aggregate classification (germline): Benign/Likely benign. Review status: criteria provided, multiple submitters, no conflicts (2 of 4 stars). 7 submissions from 7 submitters: Benign (2); Likely benign (4). 1 of the submissions does not count toward it. Last evaluated 2026-02-02.

Conditions:
ADAMTS17-related disorder. Also called: ADAMTS17-related condition.
Weill-Marchesani 4 syndrome, recessive. Also called: Weill-Marchesani syndrome 4. Identifiers: Orphanet 363992, MedGen C2750787, MONDO:0013176, OMIM 613195.

Allele frequency attached by ClinVar (database versions not stated): 1000 Genomes Project 0.00100; 1000 Genomes Project 30x 0.00125; ESP Exome Variant Server 0.00138; gnomAD 0.00168 and 0.00176; TOPMed 0.00171; ExAC 0.00183; gnomAD exomes 0.00193 and 0.00208.
gnomAD v4.1: 3,142 of 1,613,784 alleles (0.19%); highest among the groups gnomAD compares: Middle Eastern, 0.23%; 11 homozygotes.

Submissions (7):

Labcorp Genetics (formerly Invitae), Labcorp
Classification: Benign. Last evaluated: 2026-02-02. Review status: criteria provided, single submitter. Criteria: Invitae Variant Classification Sherloc (09022015). Collection method: clinical testing. Allele origin: germline.

CeGaT Center for Human Genetics Tuebingen
Classification: Likely benign. Last evaluated: 2025-09-01. Review status: criteria provided, single submitter. Criteria: CeGaT Center For Human Genetics Tuebingen Variant Classification Criteria Version 2. Collection method: clinical testing. Allele origin: germline. Affected: yes. Observed: 2 variant alleles.
Comment: ADAMTS17: BP4, BP7

Blueprint Genetics
Classification: Likely benign. Last evaluated: 2024-11-27. Review status: criteria provided, single submitter. Criteria: ACMG Guidelines, 2015. Collection method: clinical testing. Allele origin: germline.

Mayo Clinic Laboratories, Mayo Clinic
Classification: Benign. Last evaluated: 2023-01-31. Review status: criteria provided, single submitter. Criteria: ACMG Guidelines, 2015. Collection method: clinical testing. Allele origin: germline. Observed: 3 variant alleles.
Comment: BS1, BS2, BP4, BP7

Illumina Laboratory Services, Illumina
Classification: Likely benign for Weill-Marchesani 4 syndrome, recessive. Last evaluated: 2018-01-13. Review status: criteria provided, single submitter. Criteria: ICSL Variant Classification Criteria 13 December 2019. Collection method: clinical testing. Allele origin: germline.
Comment: This variant was observed in the ICSL laboratory as part of a predisposition screen in an ostensibly healthy population. It had not been previously curated by ICSL or reported in the Human Gene Mutation Database (HGMD: prior to June 1st, 2018), and was therefore a candidate for classification through an automated scoring system. Utilizing variant allele frequency, disease prevalence and penetrance estimates, and inheritance mode, an automated score was calculated to assess if this variant is too frequent to cause the disease. Based on the score and internal cut-off values, a variant classified as likely benign is not then subjected to further curation. The score for this variant resulted in a classification of likely benign for this disease.

Breakthrough Genomics
Classification: Likely benign. Review status: criteria provided, single submitter. Criteria: ACMG Guidelines, 2015. Collection method: not provided. Allele origin: germline. Inheritance: Autosomal recessive inheritance. Affected: yes.

PreventionGenetics, part of Exact Sciences
Classification: Likely benign for ADAMTS17-related condition. Last evaluated: 2019-11-06. Review status: no assertion criteria provided. Collection method: clinical testing. Allele origin: germline. Not counted in ClinVar's aggregate classification.
Comment: This variant is classified as likely benign based on ACMG/AMP sequence variant interpretation guidelines (Richards et al. 2015 PMID: 25741868, with internal and published modifications).

NM_139057.4(ADAMTS17):c.1767T>C (p.His589=)

Gene: ADAMTS17 (ADAM metallopeptidase with thrombospondin type 1 motif 17; minus strand). Cytogenetic location: 15q26.3.
Variant type: single nucleotide variant.
Coding change: c.1767T>C on transcript NM_139057.4 (MANE Select); coding-DNA position 1767, T replaced by C.
Protein change: p.His589=; no amino-acid change (histidine 589 retained).
Molecular consequence: synonymous variant.
Genome position (GRCh38, 1-based): chr15:100,116,968, A>G on the plus strand (T>C on the coding strand, the complement: ADAMTS17 is on the minus strand). VCF-style: chr15-100116968-A-G. GRCh37 (hg19) VCF-style: chr15-100657173-A-G.
Other names: p.His589=.
Identifiers: ClinVar variation 315284 (VCV000315284.42), dbSNP rs148939974, ClinGen allele CA7758063.